The following is an entry in ClinVar:

NM_015295.3(SMCHD1):c.844A>G (p.Ile282Val)

Gene: SMCHD1 (structural maintenance of chromosomes flexible hinge domain containing 1; plus strand). Cytogenetic location: 18p11.32.
Variant type: single nucleotide variant.
Coding change: c.844A>G on transcript NM_015295.3 (MANE Select); coding-DNA position 844, A replaced by G.
Protein change: p.Ile282Val; replaces isoleucine 282 with valine.
Molecular consequence: missense variant.
Genome position (GRCh38, 1-based): chr18:2,688,718, A>G. VCF-style: chr18-2688718-A-G. GRCh37 (hg19) VCF-style: chr18-2688716-A-G.
Other names: short protein forms I282V.
Identifiers: ClinVar variation 3669663 (VCV003669663.2).

ClinVar aggregate classification (germline): Uncertain significance (1 of 4 stars; one submission).

Conditions:
Facioscapulohumeral muscular dystrophy 2 (FSHD2). Also called: MUSCULAR DYSTROPHY, FACIOSCAPULOHUMERAL, TYPE 1B; FACIOSCAPULOHUMERAL MUSCULAR DYSTROPHY 2, DIGENIC; FSHD2, DIGENIC. Identifiers: Orphanet 269, MedGen C1834671, MONDO:0008031, OMIM 158901.

gnomAD v4.1: 3 of 1,443,004 alleles (0.00021%); highest among the groups gnomAD compares: Non-Finnish European, 0.00029%; no homozygotes.

Submission:

Labcorp Genetics (formerly Invitae), Labcorp
Classification: Uncertain significance for Facioscapulohumeral muscular dystrophy 2. Last evaluated: 2024-05-23. Review status: criteria provided, single submitter. Criteria: Invitae Variant Classification Sherloc (09022015). Collection method: clinical testing. Allele origin: germline.
Comment: This sequence change replaces isoleucine, which is neutral and non-polar, with valine, which is neutral and non-polar, at codon 282 of the SMCHD1 protein (p.Ile282Val). This variant is not present in population databases (gnomAD no frequency). This variant has not been reported in the literature in individuals affected with SMCHD1-related conditions. Advanced modeling of protein sequence and biophysical properties (such as structural, functional, and spatial information, amino acid conservation, physicochemical variation, residue mobility, and thermodynamic stability) performed at Invitae indicates that this missense variant is not expected to disrupt SMCHD1 protein function with a negative predictive value of 80%. In summary, the available evidence is currently insufficient to determine the role of this variant in disease. Therefore, it has been classified as a Variant of Uncertain Significance.